The following is an entry in ClinVar:

NM_004360.5(CDH1):c.1137+2T>A

Gene: CDH1 (cadherin 1; plus strand). Cytogenetic location: 16q22.1.
Variant type: single nucleotide variant.
Coding change: c.1137+2T>A on transcript NM_004360.5 (MANE Select); the canonical splice donor site of the intron after coding-DNA position 1137, T replaced by A.
Molecular consequence: splice donor variant.
Genome position (GRCh38, 1-based): chr16:68,812,265, T>A. VCF-style: chr16-68812265-T-A. GRCh37 (hg19) VCF-style: chr16-68846168-T-A.
Other names: c.-479+2T>A (NM_001317185.2); c.-683+2T>A (NM_001317186.2); c.1137+2T>A (NM_001317184.2).
Identifiers: ClinVar variation 2583438 (VCV002583438.2), dbSNP rs786202817, ClinGen allele CA396460347.

ClinVar aggregate classification (germline): Likely pathogenic (1 of 4 stars; one submission).

Conditions:
Hereditary diffuse gastric adenocarcinoma (HDGC). Also called: DIFFUSE GASTRIC AND LOBULAR BREAST CANCER SYNDROME. Identifiers: Orphanet 26106, MedGen C1708349, MONDO:0007648, OMIM 137215.

Submission:

Myriad Genetics, Inc.
Classification: Likely pathogenic for Hereditary diffuse gastric adenocarcinoma. Last evaluated: 2023-06-13. Review status: criteria provided, single submitter. Criteria: Myriad Autosomal Dominant, Autosomal Recessive and X-Linked Classification Criteria (2023). Collection method: clinical testing. Allele origin: unknown.
Comment: This variant is considered likely pathogenic. This variant occurs within a consensus splice junction and is predicted to result in abnormal mRNA splicing of either an out-of-frame exon or an in-frame exon necessary for protein stability and/or normal function.